The following is an entry in ClinVar:

ClinVar aggregate classification (germline): Uncertain significance (1 of 4 stars; one submission).

Conditions:
Epidermolysis bullosa simplex with nail dystrophy (EBS5D). Identifiers: MedGen C4225309, MONDO:0014661, OMIM 616487.
Epidermolysis bullosa simplex 5B, with muscular dystrophy (EBS5B). Also called: EPIDERMOLYSIS BULLOSA SIMPLEX AND LIMB-GIRDLE MUSCULAR DYSTROPHY; Epidermolysis bullosa simplex with muscular dystrophy. Identifiers: Orphanet 257, MedGen C2931072, MONDO:0009181, OMIM 226670.
Epidermolysis bullosa simplex, Ogna type (EBS5A). Also called: Pidermolysis bullosa simplex 5A, Ogna type; EPIDERMOLYSIS BULLOSA SIMPLEX 5A, OGNA TYPE. Identifiers: Orphanet 79401, MedGen C0432317, MONDO:0007555, OMIM 131950.
Autosomal recessive limb-girdle muscular dystrophy type 2Q (LGMDR17). Also called: MUSCULAR DYSTROPHY, LIMB-GIRDLE, AUTOSOMAL RECESSIVE 17. Identifiers: Orphanet 254361, MedGen C3150989, MONDO:0013390, OMIM 613723.
Epidermolysis bullosa simplex 5C, with pyloric atresia (EBS5C). Also called: PLEC-Related Epidermolysis Bullosa with Pyloric Atresia; Epidermolysis bullosa simplex with pyloric atresia; PLEC1-Related Epidermolysis Bullosa with Pyloric Atresia. Identifiers: Orphanet 158684, MedGen C2677349, MONDO:0012807, OMIM 612138.

Allele frequency attached by ClinVar (database versions not stated): TOPMed 0.00001; gnomAD 0.00003.
gnomAD v4.1: 90 of 1,608,920 alleles (0.0056%); highest among the groups gnomAD compares: Non-Finnish European, 0.0073%; no homozygotes.

Submission:

Labcorp Genetics (formerly Invitae), Labcorp
Classification: Uncertain significance for Autosomal recessive limb-girdle muscular dystrophy type 2Q; Epidermolysis bullosa simplex, Ogna type; Epidermolysis bullosa simplex with nail dystrophy; Epidermolysis bullosa simplex 5C, with pyloric atresia; Epidermolysis bullosa simplex 5B, with muscular dystrophy. Last evaluated: 2024-12-24. Review status: criteria provided, single submitter. Criteria: Invitae Variant Classification Sherloc (09022015). Collection method: clinical testing. Allele origin: germline.
Comment: This sequence change falls in intron 18 of the PLEC gene. It does not directly change the encoded amino acid sequence of the PLEC protein. It affects a nucleotide within the consensus splice site. This variant is present in population databases (no rsID available, gnomAD 0.007%). This variant has not been reported in the literature in individuals affected with PLEC-related conditions. ClinVar contains an entry for this variant (Variation ID: 538966). Variants that disrupt the consensus splice site are a relatively common cause of aberrant splicing (PMID: 17576681, 9536098). Algorithms developed to predict the effect of sequence changes on RNA splicing suggest that this variant is not likely to affect RNA splicing. In summary, the available evidence is currently insufficient to determine the role of this variant in disease. Therefore, it has been classified as a Variant of Uncertain Significance.

Literature cited by the submitters: PubMed 17576681; PubMed 9536098.

NM_201384.3(PLEC):c.2082+6G>A

Gene: PLEC (plectin; minus strand). Cytogenetic location: 8q24.3.
Variant type: single nucleotide variant.
Coding change: c.2082+6G>A on transcript NM_201384.3 (MANE Select); 6 bases into the intron after coding-DNA position 2082, G replaced by A.
Molecular consequence: intron variant.
Genome position (GRCh38, 1-based): chr8:143,932,124, C>T on the plus strand (G>A on the coding strand, the complement: PLEC is on the minus strand). VCF-style: chr8-143932124-C-T. GRCh37 (hg19) VCF-style: chr8-145006292-C-T.
Other names: c.2163+6G>A (NM_000445.5); c.2040+6G>A (NM_201378.4); c.2016+6G>A (NM_201379.3); c.2493+6G>A (NM_201380.4); c.1986+6G>A (NM_201381.3); c.2082+6G>A (NM_201382.4); c.2094+6G>A (NM_201383.3).
Identifiers: ClinVar variation 538966 (VCV000538966.8), dbSNP rs782596727, ClinGen allele CA586158538.